The following is an entry in ClinVar:

ClinVar aggregate classification (germline): Uncertain significance (1 of 4 stars; one submission).

Submission:

GeneDx
Classification: Uncertain significance. Last evaluated: 2026-04-24. Review status: criteria provided, single submitter. Criteria: GeneDx Variant Classification Process June 2021. Collection method: clinical testing. Allele origin: germline.
Comment: Not observed at significant frequency in large population cohorts (gnomAD); In silico analysis supports that this missense variant has a deleterious effect on protein structure/function; Has not been previously published as pathogenic or benign to our knowledge

NM_001184880.2(PCDH19):c.1621C>T (p.Pro541Ser)

Gene: PCDH19 (protocadherin 19; minus strand). Cytogenetic location: Xq22.1.
Variant type: single nucleotide variant.
Coding change: c.1621C>T on transcript NM_001184880.2 (MANE Select); coding-DNA position 1621, C replaced by T.
Protein change: p.Pro541Ser; replaces proline 541 with serine.
Molecular consequence: missense variant.
Genome position (GRCh38, 1-based): chrX:100,406,977, G>A on the plus strand (C>T on the coding strand, the complement: PCDH19 is on the minus strand). VCF-style: chrX-100406977-G-A. GRCh37 (hg19) VCF-style: chrX-99661975-G-A.
Other names: c.1621C>T, p.Pro541Ser (NM_001105243.2, NM_020766.3); short protein forms P541S.
Identifiers: ClinVar variation 5037234 (VCV005037234.1).
Genomic context (GRCh38, chrX:100,406,977, plus strand): 5'-GGGTGTTGTCGTTGACGTCGAGGATGATGACCCGCACCGTAGCGTTGCTTTGCAGTGAGG[G>A]AAGGCCGCCGTCCTTGGCCAGCACCTTGAATTCGAACGCCTTGGTCTGCTCGTGGTTAAA-3'
Protein context (NP_001171809.1, residues 531-551): FKVLAKDGGL[Pro541Ser]SLQSNATVRV